The following is an entry in ClinVar:

ClinVar aggregate classification (germline): Uncertain significance (1 of 4 stars; one submission).

gnomAD v4.1: 10 of 1,610,984 alleles (0.00062%); highest among the groups gnomAD compares: South Asian, 0.011%; 1 homozygote.

Submission:

Labcorp Genetics (formerly Invitae), Labcorp
Classification: Uncertain significance. Last evaluated: 2025-03-04. Review status: criteria provided, single submitter. Criteria: Invitae Variant Classification Sherloc (09022015). Collection method: clinical testing. Allele origin: germline.
Comment: This sequence change falls in intron 5 of the TFRC gene. It does not directly change the encoded amino acid sequence of the TFRC protein. It affects a nucleotide within the consensus splice site. This variant is present in population databases (rs753031386, gnomAD 0.01%). This variant has not been reported in the literature in individuals affected with TFRC-related conditions. Variants that disrupt the consensus splice site are a relatively common cause of aberrant splicing (PMID: 17576681, 9536098). Algorithms developed to predict the effect of sequence changes on RNA splicing suggest that this variant is not likely to affect RNA splicing. In summary, the available evidence is currently insufficient to determine the role of this variant in disease. Therefore, it has been classified as a Variant of Uncertain Significance.

Literature cited by the submitters: PubMed 17576681; PubMed 9536098.

NM_001128148.3(TFRC):c.584+3A>G

Gene: TFRC (transferrin receptor; minus strand). Cytogenetic location: 3q29.
Variant type: single nucleotide variant.
Coding change: c.584+3A>G on transcript NM_001128148.3 (MANE Select); 3 bases into the intron after coding-DNA position 584, A replaced by G.
Molecular consequence: intron variant.
Genome position (GRCh38, 1-based): chr3:196,072,000, T>C on the plus strand (A>G on the coding strand, the complement: TFRC is on the minus strand). VCF-style: chr3-196072000-T-C. GRCh37 (hg19) VCF-style: chr3-195798871-T-C.
Other names: c.-263+3A>G (NM_001313966.2); c.341+3A>G (NM_001313965.2); c.584+3A>G (NM_003234.4).
Identifiers: ClinVar variation 4693930 (VCV004693930.1).